The following is an entry in ClinVar:

NM_152263.4(TPM3):c.271C>T (p.Arg91Cys)

Gene: TPM3 (tropomyosin 3; minus strand). Cytogenetic location: 1q21.3.
Variant type: single nucleotide variant.
Coding change: c.271C>T on transcript NM_152263.4 (MANE Select); coding-DNA position 271, C replaced by T.
Protein change: p.Arg91Cys; replaces arginine 91 with cysteine.
Molecular consequence: missense variant. On other transcripts: non-coding transcript variant (1), intron variant (1), 5 prime UTR variant (1).
Genome position (GRCh38, 1-based): chr1:154,176,221, G>A on the plus strand (C>T on the coding strand, the complement: TPM3 is on the minus strand). VCF-style: chr1-154176221-G-A. GRCh37 (hg19) VCF-style: chr1-154148697-G-A.
Other names: c.160C>T, p.Arg54Cys (NM_001043351.2, NM_001043352.2, NM_001043353.2 and 5 more transcripts); c.69-3020C>T (NM_001278188.2); c.-111C>T (NM_001278191.2); c.271C>T, p.Arg91Cys (NM_001364679.2, NM_001364680.2, NM_001364681.2 and 1 more transcripts); short protein forms R54C, R91C.
Identifiers: ClinVar variation 652762 (VCV000652762.11), dbSNP rs1571418855, ClinGen allele CA342585072.

ClinVar aggregate classification (germline): Pathogenic/Likely pathogenic. Review status: criteria provided, multiple submitters, no conflicts (2 of 4 stars). 3 submissions from 3 submitters: Pathogenic (1); Likely pathogenic (2). Last evaluated 2026-06-30.

Conditions:
Congenital myopathy 4B, autosomal recessive. Also called: Nemaline myopathy 1, autosomal dominant or recessive. Identifiers: Orphanet 171433, Orphanet 171439, Orphanet 171881, MedGen C5829889, MONDO:0012239, OMIM 609284.
Congenital myopathy with fiber type disproportion. Also called: Congenital fiber-type disproportion myopathy; Congenital fiber-type disproportion. Identifiers: Orphanet 2020, MedGen C0546264, MONDO:0009711. Inheritance: all.
Congenital myopathy 4A, autosomal dominant (CMYO4A). Identifiers: MedGen CN178536, MONDO:0800341, OMIM 255310.

Submissions (3):

Institute of Human Genetics, University of Leipzig Medical Center
Classification: Likely pathogenic for Congenital myopathy 4A, autosomal dominant. Last evaluated: 2026-06-30. Review status: criteria provided, single submitter. Criteria: ACMG Guidelines, 2015. Collection method: clinical testing. Allele origin: unknown. Inheritance: Autosomal dominant inheritance. Affected: yes.
Comment: Criteria applied: PS4_MOD,PM2,PM5,PS3_SUP,PP2,PP3

Undiagnosed Diseases Network, NIH
Classification: Likely pathogenic for Congenital myopathy 4A, autosomal dominant. Last evaluated: 2025-06-05. Review status: criteria provided, single submitter. Criteria: ACMG Guidelines, 2015. Collection method: clinical testing. Allele origin: unknown. Affected: yes. Observed: 1 variant allele, 1 heterozygote. Study: Undiagnosed Diseases Network (NIH), UDN.
Comment: This variant has been reported in another affected individual (PMID: 24692096). Other TPM3 variants that result in different changes affecting the same amino acid of TPM3 have also been reported to be disease-causing (PMID: 19953533). The p.R91C change has been studied experimentally and confirmed to have altered/reduced function compared to normal TPM3 (PMID: 30768849).

Labcorp Genetics (formerly Invitae), Labcorp
Classification: Pathogenic for Congenital myopathy with fiber type disproportion; Congenital myopathy 4B, autosomal recessive. Last evaluated: 2022-08-09. Review status: criteria provided, single submitter. Criteria: Invitae Variant Classification Sherloc (09022015). Collection method: clinical testing. Allele origin: germline.
Comment: This missense change has been observed in individuals with autosomal dominant congenital myopathy (PMID: 24692096; Invitae). This sequence change replaces arginine, which is basic and polar, with cysteine, which is neutral and slightly polar, at codon 91 of the TPM3 protein (p.Arg91Cys). This variant is not present in population databases (gnomAD no frequency). ClinVar contains an entry for this variant (Variation ID: 652762). Advanced modeling of protein sequence and biophysical properties (such as structural, functional, and spatial information, amino acid conservation, physicochemical variation, residue mobility, and thermodynamic stability) performed at Invitae indicates that this missense variant is expected to disrupt TPM3 protein function. Experimental studies have shown that this missense change affects TPM3 function (PMID: 30768849). This variant disrupts the p.Arg91 amino acid residue in TPM3. Other variant(s) that disrupt this residue have been determined to be pathogenic (PMID: 19953533). This suggests that this residue is clinically significant, and that variants that disrupt this residue are likely to be disease-causing. For these reasons, this variant has been classified as Pathogenic.

Literature cited by the submitters: PubMed 24692096 (cited by Undiagnosed Diseases Network, NIH and Labcorp Genetics (formerly Invitae), Labcorp); PubMed 30768849 (cited by Undiagnosed Diseases Network, NIH and Labcorp Genetics (formerly Invitae), Labcorp); PubMed 19953533 (cited by Labcorp Genetics (formerly Invitae), Labcorp).